The following is an entry in ClinVar:

NM_002633.3(PGM1):c.261T>C (p.Val87=)

Gene: PGM1 (phosphoglucomutase 1; plus strand). Cytogenetic location: 1p31.3.
Variant type: single nucleotide variant.
Coding change: c.261T>C on transcript NM_002633.3 (MANE Select); coding-DNA position 261, T replaced by C.
Protein change: p.Val87=; no amino-acid change (valine 87 retained).
Molecular consequence: synonymous variant. On other transcripts: 5 prime UTR variant (1).
Genome position (GRCh38, 1-based): chr1:63,629,439, T>C. VCF-style: chr1-63629439-T-C. GRCh37 (hg19) VCF-style: chr1-64095110-T-C.
Other names: c.315T>C, p.Val105= (NM_001172818.1); c.-331T>C (NM_001172819.2); c.261T>C (NM_002633.2).
Identifiers: ClinVar variation 2044266 (VCV002044266.6), dbSNP rs147540336, ClinGen allele CA889497.

ClinVar aggregate classification (germline): Likely benign. Review status: criteria provided, single submitter (1 of 4 stars). 2 submissions from 2 submitters: Likely benign (1). 1 of the submissions does not count toward it. Last evaluated 2025-09-17.

Conditions:
PGM1-related disorder. Also called: PGM1-related condition; PGM1-related disorders.
PGM1-congenital disorder of glycosylation. Also called: CDG It; Congenital disorder of glycosylation type 1t; PHOSPHOGLUCOMUTASE 1 DEFICIENCY; PGM1 DEFICIENCY; GLYCOGEN STORAGE DISEASE XIV; GSD XIV. Identifiers: Orphanet 319646, MedGen C2752015, MONDO:0013968, OMIM 614921.

Allele frequency attached by ClinVar (database versions not stated): gnomAD exomes 0.00001; ExAC 0.00003; gnomAD 0.00009; TOPMed 0.00010; ESP Exome Variant Server 0.00015.
gnomAD v4.1: 33 of 1,613,518 alleles (0.002%); highest among the groups gnomAD compares: African/African-American, 0.027%; no homozygotes.

Submissions (2):

Labcorp Genetics (formerly Invitae), Labcorp
Classification: Likely benign for PGM1-congenital disorder of glycosylation. Last evaluated: 2025-09-17. Review status: criteria provided, single submitter. Criteria: Invitae Variant Classification Sherloc (09022015). Collection method: clinical testing. Allele origin: germline.

PreventionGenetics, part of Exact Sciences
Classification: Likely benign for PGM1-related condition. Last evaluated: 2019-08-12. Review status: no assertion criteria provided. Collection method: clinical testing. Allele origin: germline. Not counted in ClinVar's aggregate classification.
Comment: This variant is classified as likely benign based on ACMG/AMP sequence variant interpretation guidelines (Richards et al. 2015 PMID: 25741868, with internal and published modifications).